The following is an entry in ClinVar:

ClinVar aggregate classification (germline): Uncertain significance. Review status: criteria provided, multiple submitters, no conflicts (2 of 4 stars). 2 submissions from 2 submitters: Uncertain significance (2). Last evaluated 2025-08-24.

Conditions:
Inborn genetic diseases. Identifiers: MedGen C0950123, MeSH D030342.
Congenital sideroblastic anemia-B-cell immunodeficiency-periodic fever-developmental delay syndrome. Also called: Sideroblastic anemia with B-cell immunodeficiency, periodic fevers, and developmental delay. Identifiers: Orphanet 369861, MedGen C4015172, MONDO:0014487, OMIM 616084.

Allele frequency attached by ClinVar (database versions not stated): gnomAD 0.00001; gnomAD exomes 0.00001; TOPMed 0.00001.
gnomAD v4.1: 4 of 1,612,880 alleles (0.00025%); highest among the groups gnomAD compares: Admixed American, 0.0017%; no homozygotes.

Submissions (2):

Ambry Genetics
Classification: Uncertain significance for Inborn genetic diseases. Last evaluated: 2025-08-24. Review status: criteria provided, single submitter. Criteria: Ambry Variant Classification Scheme 2023. Collection method: clinical testing. Allele origin: germline.

Labcorp Genetics (formerly Invitae), Labcorp
Classification: Uncertain significance for Congenital sideroblastic anemia-B-cell immunodeficiency-periodic fever-developmental delay syndrome. Last evaluated: 2020-05-20. Review status: criteria provided, single submitter. Criteria: Invitae Variant Classification Sherloc (09022015). Collection method: clinical testing. Allele origin: germline.
Comment: In summary, the available evidence is currently insufficient to determine the role of this variant in disease. Therefore, it has been classified as a Variant of Uncertain Significance. Algorithms developed to predict the effect of missense changes on protein structure and function are either unavailable or do not agree on the potential impact of this missense change (SIFT: "Tolerated"; PolyPhen-2: "Probably Damaging"; Align-GVGD: "Class C0"). This variant has not been reported in the literature in individuals with TRNT1-related conditions. This variant is not present in population databases (ExAC no frequency). This sequence change replaces proline with serine at codon 270 of the TRNT1 protein (p.Pro270Ser). The proline residue is highly conserved and there is a moderate physicochemical difference between proline and serine.

NM_182916.3(TRNT1):c.808C>T (p.Pro270Ser)

Gene: TRNT1 (tRNA nucleotidyl transferase 1; plus strand). Cytogenetic location: 3p26.2.
Variant type: single nucleotide variant.
Coding change: c.808C>T on transcript NM_182916.3 (MANE Select); coding-DNA position 808, C replaced by T.
Protein change: p.Pro270Ser; replaces proline 270 with serine.
Molecular consequence: missense variant. On other transcripts: non-coding transcript variant (8).
Genome position (GRCh38, 1-based): chr3:3,147,455, C>T. VCF-style: chr3-3147455-C-T. GRCh37 (hg19) VCF-style: chr3-3189139-C-T.
Other names: c.748C>T, p.Pro250Ser (NM_001302946.2); c.808C>T, p.Pro270Ser (NM_001367321.1, NM_001367322.1, NM_001367323.1); short protein forms P250S, P270S.
Identifiers: ClinVar variation 864740 (VCV000864740.5), dbSNP rs776704386, ClinGen allele CA68734836.
Genomic context (GRCh38, chr3:3,147,455, plus strand): 5'-TGAGTGGTTTTTTATCCCCACTAAAAACAGGTGAAAAATGCTTTTGTCCCTACAGGTTTA[C>T]CTGCTAATGCAAGTTTAGAAGAATTTGACAAAGTCAGTAAAAATGTTGATGGTTTTTCAC-3'
Protein context (NP_886552.3, residues 260-280): DLDVAPYIGL[Pro270Ser]ANASLEEFDK